The following is an entry in ClinVar:

ClinVar aggregate classification (germline): Likely benign. Review status: criteria provided, single submitter (1 of 4 stars). 2 submissions from 2 submitters: Likely benign (1). 1 of the submissions does not count toward it. Last evaluated 2023-08-18.

Conditions:
AFG3L2-related disorder. Also called: AFG3L2-related condition.

Allele frequency attached by ClinVar (database versions not stated): gnomAD 0.00001; gnomAD exomes 0.00001; TOPMed 0.00001.
gnomAD v4.1: 15 of 1,614,024 alleles (0.00093%); highest among the groups gnomAD compares: African/African-American, 0.0027%; no homozygotes.

Submissions (2):

Labcorp Genetics (formerly Invitae), Labcorp
Classification: Likely benign. Last evaluated: 2023-08-18. Review status: criteria provided, single submitter. Criteria: Invitae Variant Classification Sherloc (09022015). Collection method: clinical testing. Allele origin: germline.

PreventionGenetics, part of Exact Sciences
Classification: Likely benign for AFG3L2-related condition. Last evaluated: 2020-04-27. Review status: no assertion criteria provided. Collection method: clinical testing. Allele origin: germline. Not counted in ClinVar's aggregate classification.
Comment: This variant is classified as likely benign based on ACMG/AMP sequence variant interpretation guidelines (Richards et al. 2015 PMID: 25741868, with internal and published modifications).

NM_006796.3(AFG3L2):c.1218C>T (p.Ile406=)

Gene: AFG3L2 (AFG3 like matrix AAA peptidase subunit 2; minus strand). Cytogenetic location: 18p11.21.
Variant type: single nucleotide variant.
Coding change: c.1218C>T on transcript NM_006796.3 (MANE Select); coding-DNA position 1218, C replaced by T.
Protein change: p.Ile406=; no amino-acid change (isoleucine 406 retained).
Molecular consequence: synonymous variant.
Genome position (GRCh38, 1-based): chr18:12,353,105, G>A on the plus strand (C>T on the coding strand, the complement: AFG3L2 is on the minus strand). VCF-style: chr18-12353105-G-A. GRCh37 (hg19) VCF-style: chr18-12353104-G-A.
Identifiers: ClinVar variation 2911255 (VCV002911255.5), dbSNP rs759447570, ClinGen allele CA502965281.